The following is an entry in ClinVar:

ClinVar aggregate classification (germline): Conflicting classifications of pathogenicity. Review status: criteria provided, conflicting classifications (1 of 4 stars). 2 submissions from 2 submitters: Likely pathogenic (1); Uncertain significance (1). Last evaluated 2023-12-29.

Conditions:
Neuronopathy, distal hereditary motor, type 9. Also called: NEURONOPATHY, DISTAL HEREDITARY MOTOR, TYPE IX; NEUROPATHY, DISTAL HEREDITARY MOTOR, TYPE IX; NEURONOPATHY, DISTAL HEREDITARY MOTOR, AUTOSOMAL DOMINANT 9. Identifiers: MedGen C4540265, MONDO:0060585, OMIM 617721.
WARS-related disorders.

Submissions (2):

3billion
Classification: Uncertain significance for Neuronopathy, distal hereditary motor, type 9. Last evaluated: 2023-12-29. Review status: criteria provided, single submitter. Criteria: ACMG Guidelines, 2015. Collection method: clinical testing. Allele origin: germline. Affected: yes.
Comment: The variant is not observed in the gnomAD v2.1.1 dataset. Predicted Consequence/Location: Missense changes are a common disease-causing mechanism. Damaging effect on gene or gene product predicted by in silico programs is uncertain [REVEL: 0.49 (damaging >=0.6, benign <0.4), 3Cnet: 0.21 (damaging >=0.6, benign <0.15)]. Therefore, this variant is classified as VUS according to the recommendation of ACMG/AMP guideline.

Blueprint Genetics
Classification: Likely pathogenic for WARS-related disorders. Last evaluated: 2022-04-20. Review status: criteria provided, single submitter. Criteria: ACMG Guidelines, 2015. Collection method: clinical testing. Allele origin: de novo. Affected: yes. Observed: 2 variant alleles.

NM_004184.4(WARS1):c.970G>A (p.Ala324Thr)

Gene: WARS1 (tryptophanyl-tRNA synthetase 1; minus strand). Cytogenetic location: 14q32.2.
Variant type: single nucleotide variant.
Coding change: c.970G>A on transcript NM_004184.4 (MANE Select); coding-DNA position 970, G replaced by A.
Protein change: p.Ala324Thr; replaces alanine 324 with threonine.
Molecular consequence: missense variant.
Genome position (GRCh38, 1-based): chr14:100,342,541, C>T on the plus strand (G>A on the coding strand, the complement: WARS1 is on the minus strand). VCF-style: chr14-100342541-C-T. GRCh37 (hg19) VCF-style: chr14-100808878-C-T.
Other names: c.970G>A, p.Ala324Thr (NM_173701.2); c.847G>A, p.Ala283Thr (NM_213645.2, NM_213646.2); short protein forms A283T, A324T.
Identifiers: ClinVar variation 3775643 (VCV003775643.2).